The following is an entry in ClinVar:

ClinVar aggregate classification (germline): Pathogenic. Review status: criteria provided, multiple submitters, no conflicts (2 of 4 stars). 8 submissions from 6 submitters: Pathogenic (5). 3 of the submissions do not count toward it. Last evaluated 2023-06-14.

Conditions:
Hereditary mucoepithelial dysplasia (HMD). Also called: Urban-Schosser-Spohn syndrome. Identifiers: Orphanet 1839, MedGen C1274795, MONDO:0008017, OMIM 158310.
IFAP syndrome 2. Also called: ICHTHYOSIS FOLLICULARIS, ATRICHIA, AND PHOTOPHOBIA SYNDROME 2. Identifiers: MedGen C5436607, MONDO:0100221, OMIM 619016.
IFAP syndrome 1, with or without BRESHECK syndrome. Also called: IFAP SYNDROME 1; ICHTHYOSIS FOLLICULARIS, ATRICHIA, AND PHOTOPHOBIA WITH OR WITHOUT BRAIN ANOMALIES, RETARDATION, ECTODERMAL DYSPLASIA, SKELETAL MALFORMATIONS, HIRSCHSPRUNG DISEASE, EAR/EYE ANOMALIES, CLEFT PALATE/CRYPTORCHIDISM, AND KIDNEY DYSPLASIA/HYPOPLASIA; IFAP syndrome with or without BRESHECK syndrome. Identifiers: Orphanet 2273, Orphanet 85284, MedGen C5399971, MONDO:0100213, OMIM 308205.

Submissions (8):

Baylor Genetics
Classification: Pathogenic for IFAP syndrome 2. Last evaluated: 2023-06-14. Review status: criteria provided, single submitter. Criteria: ACMG Guidelines, 2015. Collection method: clinical testing. Allele origin: unknown.

Baylor Genetics
Classification: Pathogenic for Hereditary mucoepithelial dysplasia. Last evaluated: 2023-06-14. Review status: criteria provided, single submitter. Criteria: ACMG Guidelines, 2015. Collection method: clinical testing. Allele origin: unknown.

3billion
Classification: Pathogenic for Hereditary mucoepithelial dysplasia. Last evaluated: 2023-02-23. Review status: criteria provided, single submitter. Criteria: ACMG Guidelines, 2015. Collection method: clinical testing. Allele origin: unknown. Affected: yes.
Comment: The variant is not observed in the gnomAD v2.1.1 dataset. Same nucleotide change resulting in same amino acid change (ClinVar ID: VCV000932243 / PMID: 31790666) and a different missense change at the same codon (p.Arg527His / ClinVar ID: VCV000981495 / PMID: 31790666) have been previously reported to be associated with SREBF1 related disorder. The variant has been previously reported as de novo in a similarly affected individual (PMID: 31790666). The variant has been observed in multiple (>3) similarly affected unrelated individuals (PMID: 31790666, 32497488, 32902915, 33253727). The variant has been reported to co-segregate with the disease in at least 3 similarly affected relatives/individuals in the same family or similarly affected unrelated families (PMID: 32497488). Therefore, this variant is classified as Pathogenic according to the recommendation of ACMG/AMP guideline.

GeneDx
Classification: Pathogenic. Last evaluated: 2022-06-08. Review status: criteria provided, single submitter. Criteria: GeneDx Variant Classification Process June 2021. Collection method: clinical testing. Allele origin: germline. Affected: yes.
Comment: Published functional studies demonstrate a damaging effect (impairment of S1P cleavage and prohibition of nuclear translocation of the transciptionally active form of SREBP1) (Wang et al., 2020); Not observed in large population cohorts (gnomAD); This variant is associated with the following publications: (PMID: 32902915, 33253727, 31790666, 32497488)

Laboratoire de Génétique Moléculaire, CHU Bordeaux
Classification: Pathogenic. Review status: criteria provided, single submitter. Criteria: ACMG Guidelines, 2015. Collection method: clinical testing. Allele origin: germline. Affected: yes.

OMIM
Classification: Pathogenic for MUCOEPITHELIAL DYSPLASIA, HEREDITARY. Last evaluated: 2021-02-03. Review status: no assertion criteria provided. Collection method: literature only. Allele origin: germline. Not counted in ClinVar's aggregate classification.

OMIM
Classification: Pathogenic for IFAP SYNDROME 2. Last evaluated: 2020-09-09. Review status: no assertion criteria provided. Collection method: literature only. Allele origin: germline. Not counted in ClinVar's aggregate classification.

Clinical Genetics Laboratory of Dermatology, Peking University First Hospital
Classification: Pathogenic for IFAP syndrome 1, with or without BRESHECK syndrome. Review status: no assertion criteria provided. Collection method: research, in vitro. Allele origin: germline, not applicable. Inheritance: Autosomal dominant inheritance. Affected: yes. Observed: 11 variant alleles, 11 heterozygotes. Not counted in ClinVar's aggregate classification.

Literature cited by the submitters: PubMed 33253727 (cited by 3billion); PubMed 32497488 (cited by 3billion and OMIM); PubMed 32902915 (cited by 3billion and OMIM); PubMed 31790666 (cited by 3billion and OMIM).

NM_004176.5(SREBF1):c.1579C>T (p.Arg527Cys)

Gene: SREBF1 (sterol regulatory element binding transcription factor 1; minus strand). Cytogenetic location: 17p11.2.
Variant type: single nucleotide variant.
Coding change: c.1579C>T on transcript NM_004176.5 (MANE Select); coding-DNA position 1579, C replaced by T.
Protein change: p.Arg527Cys; replaces arginine 527 with cysteine.
Molecular consequence: missense variant. On other transcripts: non-coding transcript variant (4), intron variant (1).
Genome position (GRCh38, 1-based): chr17:17,817,283, G>A on the plus strand (C>T on the coding strand, the complement: SREBF1 is on the minus strand). VCF-style: chr17-17817283-G-A. GRCh37 (hg19) VCF-style: chr17-17720597-G-A.
Other names: c.1669C>T, p.Arg557Cys (NM_001005291.3); c.1507C>T, p.Arg503Cys (NM_001321096.3); c.1579C>T, p.Arg527Cys (NM_001388385.1, NM_001388386.1); c.1618C>T, p.Arg540Cys (NM_001388387.1); c.1534C>T, p.Arg512Cys (NM_001388388.1); c.1573C>T, p.Arg525Cys (NM_001388389.1); c.1561C>T, p.Arg521Cys (NM_001388390.1); c.1552C>T, p.Arg518Cys (NM_001388391.1); and 3 more; short protein forms R557C, R527C, R503C, R383C, R453C, R512C, R518C, R521C.
Identifiers: ClinVar variation 932243 (VCV000932243.16), dbSNP rs2033690347, ClinGen allele CA398564817.